The following is an entry in ClinVar:

ClinVar aggregate classification (germline): Likely pathogenic (1 of 4 stars; one submission).

Conditions:
Developmental and epileptic encephalopathy, 23 (DEE23). Also called: Epileptic encephalopathy, early infantile, 23. Identifiers: Orphanet 411986, MedGen C4014492, MONDO:0014371, OMIM 615859.

Submission:

Labcorp Genetics (formerly Invitae), Labcorp
Classification: Likely pathogenic for Developmental and epileptic encephalopathy, 23. Last evaluated: 2022-09-07. Review status: criteria provided, single submitter. Criteria: Invitae Variant Classification Sherloc (09022015). Collection method: clinical testing. Allele origin: germline.
Comment: In summary, the currently available evidence indicates that the variant is pathogenic, but additional data are needed to prove that conclusively. Therefore, this variant has been classified as Likely Pathogenic. Algorithms developed to predict the effect of sequence changes on RNA splicing suggest that this variant may disrupt the consensus splice site. This variant has not been reported in the literature in individuals affected with DOCK7-related conditions. This variant is not present in population databases (gnomAD no frequency). This sequence change affects an acceptor splice site in intron 44 of the DOCK7 gene. It is expected to disrupt RNA splicing. Variants that disrupt the donor or acceptor splice site typically lead to a loss of protein function (PMID: 16199547), and loss-of-function variants in DOCK7 are known to be pathogenic (PMID: 24814191).

Literature cited by the submitters: PubMed 16199547; PubMed 24814191.

NM_001367561.1(DOCK7):c.5725-2A>G

Gene: DOCK7 (dedicator of cytokinesis 7; minus strand). Cytogenetic location: 1p31.3.
Variant type: single nucleotide variant.
Coding change: c.5725-2A>G on transcript NM_001367561.1 (MANE Select); the canonical splice acceptor site of the intron before coding-DNA position 5725, A replaced by G.
Molecular consequence: splice acceptor variant.
Genome position (GRCh38, 1-based): chr1:62,475,945, T>C on the plus strand (A>G on the coding strand, the complement: DOCK7 is on the minus strand). VCF-style: chr1-62475945-T-C. GRCh37 (hg19) VCF-style: chr1-62941616-T-C.
Other names: c.5599-2A>G (NM_001272001.2); c.5605-2A>G (NM_001272000.2); c.5632-2A>G (NM_033407.4); c.5692-2A>G (NM_001271999.2); c.5698-2A>G (NM_001330614.2).
Identifiers: ClinVar variation 2027502 (VCV002027502.4), dbSNP rs1424336122, ClinGen allele CA340604255.
Genomic context (GRCh38, chr1:62,475,945, plus strand): 5'-CTGTCCTTCATCTCATATGTGTCAAAGTATGGCTCCACATAGGTAATCTGAATATATGCC[T>C]AGGAAAGAAAAAAGTCCTTCATTTCCTCACTGTTAAGTCATCATTTAGTCTTTCTCAAAC-3'